The following is an entry in ClinVar:

ClinVar aggregate classification (germline): Likely benign (0 of 4 stars; one submission).

Conditions:
ZBTB40-related disorder. Also called: ZBTB40-related condition.

Allele frequency attached by ClinVar (database versions not stated): ExAC 0.00002; 1000 Genomes Project 0.00040; 1000 Genomes Project 30x 0.00047.
gnomAD v4.1: 35 of 1,614,118 alleles (0.0022%); highest among the groups gnomAD compares: East Asian, 0.029%; no homozygotes.

Submission:

PreventionGenetics, part of Exact Sciences
Classification: Likely benign for ZBTB40-related condition. Last evaluated: 2019-04-01. Review status: no assertion criteria provided. Collection method: clinical testing. Allele origin: germline.
Comment: This variant is classified as likely benign based on ACMG/AMP sequence variant interpretation guidelines (Richards et al. 2015 PMID: 25741868, with internal and published modifications).

NM_014870.4(ZBTB40):c.1248G>A (p.Thr416=)

Gene: ZBTB40 (zinc finger and BTB domain containing 40; plus strand). Cytogenetic location: 1p36.12.
Variant type: single nucleotide variant.
Coding change: c.1248G>A on transcript NM_014870.4 (MANE Select); coding-DNA position 1248, G replaced by A.
Protein change: p.Thr416=; no amino-acid change (threonine 416 retained).
Molecular consequence: synonymous variant.
Genome position (GRCh38, 1-based): chr1:22,506,129, G>A. VCF-style: chr1-22506129-G-A. GRCh37 (hg19) VCF-style: chr1-22832622-G-A.
Other names: c.1248G>A, p.Thr416= (NM_001083621.2); c.912G>A, p.Thr304= (NM_001330398.2).
Identifiers: ClinVar variation 3058798 (VCV003058798.2), dbSNP rs371758282, ClinGen allele CA675836.